The following is an entry in ClinVar:

NM_024685.4(BBS10):c.1010A>G (p.Glu337Gly)

Gene: BBS10 (Bardet-Biedl syndrome 10; minus strand). Cytogenetic location: 12q21.2.
Variant type: single nucleotide variant.
Coding change: c.1010A>G on transcript NM_024685.4 (MANE Select); coding-DNA position 1010, A replaced by G.
Protein change: p.Glu337Gly; replaces glutamic acid 337 with glycine.
Molecular consequence: missense variant.
Genome position (GRCh38, 1-based): chr12:76,346,975, T>C on the plus strand (A>G on the coding strand, the complement: BBS10 is on the minus strand). VCF-style: chr12-76346975-T-C. GRCh37 (hg19) VCF-style: chr12-76740755-T-C.
Other names: c.1010A>G (NM_024685.3); short protein forms E337G.
Identifiers: ClinVar variation 1404631 (VCV001404631.6), dbSNP rs752630373, ClinGen allele CA6694248.

ClinVar aggregate classification (germline): Uncertain significance. Review status: criteria provided, multiple submitters, no conflicts (2 of 4 stars). 2 submissions from 2 submitters: Uncertain significance (2). Last evaluated 2025-06-25.

Conditions:
Bardet-Biedl syndrome (BBS). Identifiers: Orphanet 110, MedGen C0752166, MONDO:0015229.
BBS10-related disorder. Also called: BBS10-related condition.

gnomAD v4.1: 5 of 1,611,006 alleles (0.00031%); highest among the groups gnomAD compares: South Asian, 0.0044%; 1 homozygote.

Submissions (2):

PreventionGenetics, part of Exact Sciences
Classification: Uncertain significance for BBS10-related condition. Last evaluated: 2025-06-25. Review status: criteria provided, single submitter. Criteria: ACMG Guidelines, 2015. Collection method: clinical testing. Allele origin: germline.
Comment: The BBS10 c.1010A>G variant is predicted to result in the amino acid substitution p.Glu337Gly. To our knowledge, this variant has not been reported in the literature. This variant is reported in 0.0065% of alleles in individuals of South Asian descent in gnomAD. At this time, the clinical significance of this variant is uncertain due to the absence of conclusive functional and genetic evidence.

Labcorp Genetics (formerly Invitae), Labcorp
Classification: Uncertain significance for Bardet-Biedl syndrome. Last evaluated: 2024-11-05. Review status: criteria provided, single submitter. Criteria: Invitae Variant Classification Sherloc (09022015). Collection method: clinical testing. Allele origin: germline.
Comment: This sequence change replaces glutamic acid, which is acidic and polar, with glycine, which is neutral and non-polar, at codon 337 of the BBS10 protein (p.Glu337Gly). This variant is present in population databases (rs752630373, gnomAD 0.006%), including at least one homozygous and/or hemizygous individual. This variant has not been reported in the literature in individuals affected with BBS10-related conditions. ClinVar contains an entry for this variant (Variation ID: 1404631). Invitae Evidence Modeling of protein sequence and biophysical properties (such as structural, functional, and spatial information, amino acid conservation, physicochemical variation, residue mobility, and thermodynamic stability) has been performed for this missense variant. However, the output from this modeling did not meet the statistical confidence thresholds required to predict the impact of this variant on BBS10 protein function. In summary, the available evidence is currently insufficient to determine the role of this variant in disease. Therefore, it has been classified as a Variant of Uncertain Significance.